The following is an entry in ClinVar:

ClinVar aggregate classification (germline): Uncertain significance (1 of 4 stars; one submission).

gnomAD v4.1: 1 of 1,608,170 alleles (0.000062%); highest among the groups gnomAD compares: Non-Finnish European, 0.000085%; no homozygotes.

Submission:

GeneDx
Classification: Uncertain significance. Last evaluated: 2026-03-20. Review status: criteria provided, single submitter. Criteria: GeneDx Variant Classification Process June 2021. Collection method: clinical testing. Allele origin: germline.
Comment: Not observed at significant frequency in large population cohorts (gnomAD); In silico analysis suggests that this missense variant does not alter protein structure/function; Has not been previously published as pathogenic or benign to our knowledge

NM_001128840.3(CACNA1D):c.850A>G (p.Ile284Val)

Gene: CACNA1D (calcium voltage-gated channel subunit alpha1 D; plus strand). Cytogenetic location: 3p21.1.
Variant type: single nucleotide variant.
Coding change: c.850A>G on transcript NM_001128840.3 (MANE Select); coding-DNA position 850, A replaced by G.
Protein change: p.Ile284Val; replaces isoleucine 284 with valine.
Molecular consequence: missense variant.
Genome position (GRCh38, 1-based): chr3:53,665,743, A>G. VCF-style: chr3-53665743-A-G. GRCh37 (hg19) VCF-style: chr3-53699770-A-G.
Other names: c.850A>G, p.Ile284Val (NM_000720.4, NM_001128839.3); short protein forms I284V.
Identifiers: ClinVar variation 5017159 (VCV005017159.1).